The following is an entry in ClinVar:

NC_000006.11:g.(?_162683537)_(163148700_?)del

Genes: PACRG (parkin coregulated; plus strand), PRKN (parkin RBR E3 ubiquitin protein ligase; minus strand). Cytogenetic location: 6q26.
Variant type: Deletion.
Identifiers: ClinVar variation 1460158 (VCV001460158.4).

ClinVar aggregate classification (germline): Pathogenic (1 of 4 stars; one submission).

Submission:

Labcorp Genetics (formerly Invitae), Labcorp
Classification: Pathogenic. Last evaluated: 2021-11-29. Review status: criteria provided, single submitter. Criteria: Invitae Variant Classification Sherloc (09022015). Collection method: clinical testing. Allele origin: germline.
Comment: For these reasons, this variant has been classified as Pathogenic. This variant has not been reported in the literature in individuals affected with PRKN-related conditions. This variant is a gross deletion of the genomic region encompassing exon(s) 1-3 of the PRKN gene, which includes the initiator codon. This deletion extends beyond the assayed region for this gene and therefore may encompass additional genes. It is expected to result in an absent or disrupted protein product. Loss-of-function variants in PRKN are known to be pathogenic (PMID: 10072423, 20301651, 22956510).

Literature cited by the submitters: PubMed 10072423; PubMed 20301651; PubMed 22956510.